The following is an entry in ClinVar:

ClinVar aggregate classification (germline): Benign (1 of 4 stars; one submission).

Allele frequency attached by ClinVar (database versions not stated): gnomAD exomes 0.00006; gnomAD 0.00034; TOPMed 0.00039; 1000 Genomes Project 0.00080; 1000 Genomes Project 30x 0.00125.
gnomAD v4.1: 70 of 398,592 alleles (0.018%); highest among the groups gnomAD compares: African/African-American, 0.13%; no homozygotes.

Submission:

CeGaT Center for Human Genetics Tuebingen
Classification: Benign. Last evaluated: 2024-05-01. Review status: criteria provided, single submitter. Criteria: CeGaT Center For Human Genetics Tuebingen Variant Classification Criteria Version 2. Collection method: clinical testing. Allele origin: germline. Affected: yes. Observed: 2 variant alleles.
Comment: KCNQ1OT1: BS1, BS2

NM_000218.3(KCNQ1):c.1393+31012T>C

Genes: KCNQ1 (potassium voltage-gated channel subfamily Q member 1; plus strand), KCNQ1OT1 (KCNQ1 opposite strand/antisense transcript 1; minus strand). Cytogenetic location: 11p15.5.
Variant type: single nucleotide variant.
Coding change: c.1393+31012T>C on transcript NM_000218.3 (MANE Select); 31012 bases into the intron after coding-DNA position 1393, T replaced by C.
Molecular consequence: intron variant.
Genome position (GRCh38, 1-based): chr11:2,619,866, T>C. VCF-style: chr11-2619866-T-C. GRCh37 (hg19) VCF-style: chr11-2641096-T-C.
Other names: c.1123+31012T>C (NM_001406837.1); c.1297+31012T>C (NM_001406836.1); c.853+31012T>C (NM_001406838.1); c.1012+31012T>C (NM_181798.2).
Identifiers: ClinVar variation 1879166 (VCV001879166.29), dbSNP rs540912615, ClinGen allele CA216361749.